The following is an entry in ClinVar:

ClinVar aggregate classification (germline): Likely benign (1 of 4 stars; one submission).

Submission:

CeGaT Center for Human Genetics Tuebingen
Classification: Likely benign. Last evaluated: 2026-08-01. Review status: criteria provided, single submitter. Criteria: CeGaT Center For Human Genetics Tuebingen Variant Classification Criteria Version 2. Collection method: clinical testing. Allele origin: germline. Affected: yes. Observed: 1 variant allele.
Comment: CDH16: PM2:Supporting, BP4, BP7

NM_004062.4(CDH16):c.858A>C (p.Gly286=)

Gene: CDH16 (cadherin 16; minus strand). Cytogenetic location: 16q22.1.
Variant type: single nucleotide variant.
Coding change: c.858A>C on transcript NM_004062.4 (MANE Select); coding-DNA position 858, A replaced by C.
Protein change: p.Gly286=; no amino-acid change (glycine 286 retained).
Molecular consequence: synonymous variant.
Genome position (GRCh38, 1-based): chr16:66,913,536, T>G on the plus strand (A>C on the coding strand, the complement: CDH16 is on the minus strand). VCF-style: chr16-66913536-T-G. GRCh37 (hg19) VCF-style: chr16-66947439-T-G.
Other names: c.858A>C, p.Gly286= (NM_001204744.2, NM_001204745.2); c.567A>C, p.Gly189= (NM_001204746.2).
Identifiers: ClinVar variation 5040413 (VCV005040413.1).